The following is an entry in ClinVar:

NM_000038.6(APC):c.4164T>C (p.Thr1388=)

Gene: APC (APC regulator of Wnt signaling pathway; plus strand). Cytogenetic location: 5q22.2.
Variant type: single nucleotide variant.
Coding change: c.4164T>C on transcript NM_000038.6 (MANE Select); coding-DNA position 4164, T replaced by C.
Protein change: p.Thr1388=; no amino-acid change (threonine 1388 retained).
Molecular consequence: synonymous variant. On other transcripts: non-coding transcript variant (2).
Genome position (GRCh38, 1-based): chr5:112,839,758, T>C. VCF-style: chr5-112839758-T-C. GRCh37 (hg19) VCF-style: chr5-112175455-T-C.
Other names: c.4164T>C, p.Thr1388= (NM_001127510.3, NM_001354895.2, NM_001407450.1); c.4110T>C, p.Thr1370= (NM_001127511.3); c.4218T>C, p.Thr1406= (NM_001354896.2, NM_001407447.1, NM_001407448.1 and 1 more transcripts); c.4194T>C, p.Thr1398= (NM_001354897.2); c.4089T>C, p.Thr1363= (NM_001354898.2); c.4080T>C, p.Thr1360= (NM_001354899.2); c.4041T>C, p.Thr1347= (NM_001354900.2); c.3987T>C, p.Thr1329= (NM_001354901.2, NM_001407453.1); and 12 more.
Identifiers: ClinVar variation 4085709 (VCV004085709.9).
Genomic context (GRCh38, chr5:112,839,758, plus strand): 5'-ACCCAAAAGTCCACCTGAACACTATGTTCAGGAGACCCCACTCATGTTTAGCAGATGTAC[T>C]TCTGTCAGTTCACTTGATAGTTTTGAGAGTCGTTCGATTGCCAGCTCCGTTCAGAGTGAA-3'
Protein context (NP_000029.2, residues 1378-1398): QETPLMFSRC[Thr1388=]SVSSLDSFES

ClinVar aggregate classification (germline): Likely benign. Review status: criteria provided, multiple submitters, no conflicts (2 of 4 stars). 2 submissions from 2 submitters: Likely benign (2). Last evaluated 2026-07-24.

Conditions:
Hereditary cancer-predisposing syndrome. Also called: Hereditary Cancer Syndrome; Neoplastic Syndromes, Hereditary; Tumor predisposition; Hereditary neoplastic syndrome. Identifiers: Orphanet 140162, MedGen C0027672, MeSH D009386, MONDO:0015356.

Submissions (2):

Ambry Genetics
Classification: Likely benign for Hereditary cancer-predisposing syndrome. Last evaluated: 2026-07-24. Review status: criteria provided, single submitter. Criteria: Ambry Variant Classification Scheme 2023. Collection method: clinical testing. Allele origin: germline.

CeGaT Center for Human Genetics Tuebingen
Classification: Likely benign. Last evaluated: 2025-08-01. Review status: criteria provided, single submitter. Criteria: CeGaT Center For Human Genetics Tuebingen Variant Classification Criteria Version 2. Collection method: clinical testing. Allele origin: germline. Affected: yes. Observed: 1 variant allele.
Comment: APC: PM2:Supporting, BP4, BP7